The following is an entry in ClinVar:

ClinVar aggregate classification (germline): Likely benign. Review status: criteria provided, single submitter (1 of 4 stars). 2 submissions from 2 submitters: Likely benign (1). 1 of the submissions does not count toward it. Last evaluated 2024-09-26.

Conditions:
FAT1-related disorder. Also called: FAT1-related condition.

Allele frequency attached by ClinVar (database versions not stated): TOPMed below 0.00001; gnomAD 0.00001; gnomAD exomes 0.00001; ExAC 0.00002; 1000 Genomes Project 30x 0.00047; 1000 Genomes Project 0.00060.
gnomAD v4.1: 22 of 1,614,008 alleles (0.0014%); highest among the groups gnomAD compares: Middle Eastern, 0.033%; no homozygotes.

Submissions (2):

Blueprint Genetics
Classification: Likely benign. Last evaluated: 2024-09-26. Review status: criteria provided, single submitter. Criteria: ACMG Guidelines, 2015. Collection method: clinical testing. Allele origin: germline.

PreventionGenetics, part of Exact Sciences
Classification: Likely benign for FAT1-related condition. Last evaluated: 2023-12-04. Review status: no assertion criteria provided. Collection method: clinical testing. Allele origin: germline. Not counted in ClinVar's aggregate classification.
Comment: This variant is classified as likely benign based on ACMG/AMP sequence variant interpretation guidelines (Richards et al. 2015 PMID: 25741868, with internal and published modifications).

NM_005245.4(FAT1):c.2364C>T (p.Tyr788=)

Gene: FAT1 (FAT atypical cadherin 1; minus strand). Cytogenetic location: 4q35.2.
Variant type: single nucleotide variant.
Coding change: c.2364C>T on transcript NM_005245.4 (MANE Select); coding-DNA position 2364, C replaced by T.
Protein change: p.Tyr788=; no amino-acid change (tyrosine 788 retained).
Molecular consequence: synonymous variant.
Genome position (GRCh38, 1-based): chr4:186,707,464, G>A on the plus strand (C>T on the coding strand, the complement: FAT1 is on the minus strand). VCF-style: chr4-186707464-G-A. GRCh37 (hg19) VCF-style: chr4-187628618-G-A.
Identifiers: ClinVar variation 3057909 (VCV003057909.3), dbSNP rs139767426, ClinGen allele CA3167282.